The following is an entry in ClinVar:

ClinVar aggregate classification (germline): Uncertain significance (1 of 4 stars; one submission).

Submission:

CeGaT Center for Human Genetics Tuebingen
Classification: Uncertain significance. Last evaluated: 2026-06-01. Review status: criteria provided, single submitter. Criteria: CeGaT Center For Human Genetics Tuebingen Variant Classification Criteria Version 2. Collection method: clinical testing. Allele origin: germline. Affected: yes. Observed: 1 variant allele.
Comment: AMER1: PM2

NM_152424.4(AMER1):c.983G>T (p.Cys328Phe)

Gene: AMER1 (APC membrane recruitment protein 1; minus strand). Cytogenetic location: Xq11.2.
Variant type: single nucleotide variant.
Coding change: c.983G>T on transcript NM_152424.4 (MANE Select); coding-DNA position 983, G replaced by T.
Protein change: p.Cys328Phe; replaces cysteine 328 with phenylalanine.
Molecular consequence: missense variant.
Genome position (GRCh38, 1-based): chrX:64,192,304, C>A on the plus strand (G>T on the coding strand, the complement: AMER1 is on the minus strand). VCF-style: chrX-64192304-C-A. GRCh37 (hg19) VCF-style: chrX-63412184-C-A.
Other names: short protein forms C328F.
Identifiers: ClinVar variation 4873608 (VCV004873608.2).